The following is an entry in ClinVar:

ClinVar aggregate classification (germline): Uncertain significance (1 of 4 stars; one submission).

Conditions:
Familial cold autoinflammatory syndrome 2 (FCAS2). Identifiers: Orphanet 247868, MedGen C2673198, MONDO:0012724, OMIM 611762.

Allele frequency attached by ClinVar (database versions not stated): gnomAD exomes below 0.00001; ExAC 0.00001; gnomAD 0.00001.

Submission:

Labcorp Genetics (formerly Invitae), Labcorp
Classification: Uncertain significance for Familial cold autoinflammatory syndrome 2. Last evaluated: 2023-11-07. Review status: criteria provided, single submitter. Criteria: Invitae Variant Classification Sherloc (09022015). Collection method: clinical testing. Allele origin: germline.
Comment: This sequence change replaces cysteine, which is neutral and slightly polar, with arginine, which is basic and polar, at codon 680 of the NLRP12 protein (p.Cys680Arg). This variant is present in population databases (rs777774690, gnomAD 0.007%). This variant has not been reported in the literature in individuals affected with NLRP12-related conditions. ClinVar contains an entry for this variant (Variation ID: 1060568). Advanced modeling of protein sequence and biophysical properties (such as structural, functional, and spatial information, amino acid conservation, physicochemical variation, residue mobility, and thermodynamic stability) performed at Invitae indicates that this missense variant is not expected to disrupt NLRP12 protein function with a negative predictive value of 80%. In summary, the available evidence is currently insufficient to determine the role of this variant in disease. Therefore, it has been classified as a Variant of Uncertain Significance.

NM_144687.4(NLRP12):c.2038T>C (p.Cys680Arg)

Gene: NLRP12 (NLR family pyrin domain containing 12; minus strand). Cytogenetic location: 19q13.42.
Variant type: single nucleotide variant.
Coding change: c.2038T>C on transcript NM_144687.4 (MANE Select); coding-DNA position 2038, T replaced by C.
Protein change: p.Cys680Arg; replaces cysteine 680 with arginine.
Molecular consequence: missense variant.
Genome position (GRCh38, 1-based): chr19:53,809,621, A>G on the plus strand (T>C on the coding strand, the complement: NLRP12 is on the minus strand). VCF-style: chr19-53809621-A-G. GRCh37 (hg19) VCF-style: chr19-54312875-A-G.
Other names: c.2038T>C, p.Cys680Arg (NM_001277126.2, NM_001277129.1); short protein forms C680R.
Identifiers: ClinVar variation 1060568 (VCV001060568.9), dbSNP rs777774690, ClinGen allele CA9639286.